The following is an entry in ClinVar:

NM_005670.4(EPM2A):c.719-2A>T

Gene: EPM2A (EPM2A glucan phosphatase, laforin; minus strand). Cytogenetic location: 6q24.3.
Variant type: single nucleotide variant.
Coding change: c.719-2A>T on transcript NM_005670.4 (MANE Select); the canonical splice acceptor site of the intron before coding-DNA position 719, A replaced by T.
Molecular consequence: splice acceptor variant.
Genome position (GRCh38, 1-based): chr6:145,627,695, T>A on the plus strand (A>T on the coding strand, the complement: EPM2A is on the minus strand). VCF-style: chr6-145627695-T-A. GRCh37 (hg19) VCF-style: chr6-145948831-T-A.
Other names: c.305-2A>T (NM_001360064.2, NM_001368131.1, NM_001360071.2); c.477-2A>T (NM_001360057.2); c.719-2A>T (NM_001018041.2); c.257-2A>T (NM_001368129.2, NM_001368132.1).
Identifiers: ClinVar variation 531801 (VCV000531801.7), dbSNP rs772082648, ClinGen allele CA4035097.

ClinVar aggregate classification (germline): Uncertain significance (1 of 4 stars; one submission).

Conditions:
Progressive myoclonic epilepsy. Also called: Familial progressive myoclonic epilepsy; Myoclonic Epilepsies, Progressive; Progressive myoclonus epilepsy; Myoclonus epilepsy. Identifiers: Orphanet 308, Orphanet 98261, MedGen C0751778, MONDO:0020074.

Allele frequency attached by ClinVar (database versions not stated): gnomAD 0.00001; TOPMed 0.00001.
gnomAD v4.1: 2 of 1,613,772 alleles (0.00012%); highest among the groups gnomAD compares: African/African-American, 0.0013%; no homozygotes.

Submission:

Labcorp Genetics (formerly Invitae), Labcorp
Classification: Uncertain significance for Progressive myoclonic epilepsy. Last evaluated: 2020-12-15. Review status: criteria provided, single submitter. Criteria: Invitae Variant Classification Sherloc (09022015). Collection method: clinical testing. Allele origin: germline.
Comment: This sequence change affects an acceptor splice site in the last intron (intron 3) of the EPM2A gene. While this is not anticipated to result in nonsense mediated decay, it likely alters RNA splicing and results in a disrupted protein product. This variant is present in population databases (rs772082648, ExAC 0.01%). This variant has not been reported in the literature in individuals with EPM2A-related disease. Nucleotide substitutions within the consensus splice site are a relatively common cause of aberrant splicing (PMID: 17576681, 9536098). Algorithms developed to predict the effect of sequence changes on RNA splicing suggest that this variant may disrupt the consensus splice site, but this prediction has not been confirmed by published transcriptional studies. In summary, the available evidence is currently insufficient to determine the role of this variant in disease. Therefore, it has been classified as a Variant of Uncertain Significance.

Literature cited by the submitters: PubMed 17576681; PubMed 9536098.